The following is an entry in ClinVar:

NM_006005.3(WFS1):c.2344C>G (p.Pro782Ala)

Gene: WFS1 (wolframin ER transmembrane glycoprotein; plus strand). Cytogenetic location: 4p16.1.
Variant type: single nucleotide variant.
Coding change: c.2344C>G on transcript NM_006005.3 (MANE Select); coding-DNA position 2344, C replaced by G.
Protein change: p.Pro782Ala; replaces proline 782 with alanine.
Molecular consequence: missense variant.
Genome position (GRCh38, 1-based): chr4:6,302,139, C>G. VCF-style: chr4-6302139-C-G. GRCh37 (hg19) VCF-style: chr4-6303866-C-G.
Other names: c.2344C>G, p.Pro782Ala (NM_001145853.1); short protein forms P782A.
Identifiers: ClinVar variation 3637014 (VCV003637014.2).

ClinVar aggregate classification (germline): Uncertain significance (1 of 4 stars; one submission).

Submission:

Labcorp Genetics (formerly Invitae), Labcorp
Classification: Uncertain significance. Last evaluated: 2024-09-11. Review status: criteria provided, single submitter. Criteria: Invitae Variant Classification Sherloc (09022015). Collection method: clinical testing. Allele origin: germline.
Comment: This sequence change replaces proline, which is neutral and non-polar, with alanine, which is neutral and non-polar, at codon 782 of the WFS1 protein (p.Pro782Ala). This variant is not present in population databases (gnomAD no frequency). This variant has not been reported in the literature in individuals affected with WFS1-related conditions. Invitae Evidence Modeling of protein sequence and biophysical properties (such as structural, functional, and spatial information, amino acid conservation, physicochemical variation, residue mobility, and thermodynamic stability) has been performed for this missense variant. However, the output from this modeling did not meet the statistical confidence thresholds required to predict the impact of this variant on WFS1 protein function. In summary, the available evidence is currently insufficient to determine the role of this variant in disease. Therefore, it has been classified as a Variant of Uncertain Significance.